The following is an entry in ClinVar:

NM_170606.3(KMT2C):c.11624A>C (p.Lys3875Thr)

Gene: KMT2C (lysine methyltransferase 2C; minus strand). Cytogenetic location: 7q36.1.
Variant type: single nucleotide variant.
Coding change: c.11624A>C on transcript NM_170606.3 (MANE Select); coding-DNA position 11624, A replaced by C.
Protein change: p.Lys3875Thr; replaces lysine 3875 with threonine.
Molecular consequence: missense variant.
Genome position (GRCh38, 1-based): chr7:152,158,909, T>G on the plus strand (A>C on the coding strand, the complement: KMT2C is on the minus strand). VCF-style: chr7-152158909-T-G. GRCh37 (hg19) VCF-style: chr7-151855994-T-G.
Other names: short protein forms K3875T.
Identifiers: ClinVar variation 4681109 (VCV004681109.1).
Genomic context (GRCh38, chr7:152,158,909, plus strand): 5'-TGACTCACCCTCACCTGTTTCAAGTGGGTAAACGTGTCAGTGCTAGAGTACATAGCTTGT[T>G]TCTCCTCTTCGTCCTTTTTCCTTTTCTTTGAGCGAGGTGCTGCTTTCTCACCCGTCCTCT-3'
Protein context (NP_733751.2, residues 3865-3885): SKKRKKDEEE[Lys3875Thr]QAMYSSTDTF

ClinVar aggregate classification (germline): Uncertain significance (1 of 4 stars; one submission).

Submission:

GeneDx
Classification: Uncertain significance. Last evaluated: 2025-07-01. Review status: criteria provided, single submitter. Criteria: GeneDx Variant Classification Process June 2021. Collection method: clinical testing. Allele origin: germline. Affected: yes.
Comment: Not observed at significant frequency in large population cohorts (gnomAD); In silico analysis supports that this missense variant has a deleterious effect on protein structure/function; Has not been previously published as pathogenic or benign to our knowledge